The following is an entry in ClinVar:

NM_024996.7(GFM1):c.851G>A (p.Arg284Gln)

Gene: GFM1 (G elongation factor mitochondrial 1; plus strand). Cytogenetic location: 3q25.32.
Variant type: single nucleotide variant.
Coding change: c.851G>A on transcript NM_024996.7 (MANE Select); coding-DNA position 851, G replaced by A.
Protein change: p.Arg284Gln; replaces arginine 284 with glutamine.
Molecular consequence: missense variant. On other transcripts: non-coding transcript variant (4).
Genome position (GRCh38, 1-based): chr3:158,653,320, G>A. VCF-style: chr3-158653320-G-A. GRCh37 (hg19) VCF-style: chr3-158371109-G-A.
Other names: c.908G>A, p.Arg303Gln (NM_001308164.2, NM_001374355.1); c.851G>A, p.Arg284Gln (NM_001308166.2); c.734G>A, p.Arg245Gln (NM_001374356.1); c.626G>A, p.Arg209Gln (NM_001374357.1); c.392G>A, p.Arg131Gln (NM_001374358.1); c.284G>A, p.Arg95Gln (NM_001374359.1, NM_001374360.1); c.167G>A, p.Arg56Gln (NM_001374361.1); short protein forms R131Q, R209Q, R245Q, R284Q, R303Q, R56Q, R95Q.
Identifiers: ClinVar variation 2628782 (VCV002628782.1), dbSNP rs965034653, ClinGen allele CA86500885.

ClinVar aggregate classification (germline): Uncertain significance (1 of 4 stars; one submission).

Conditions:
GFM1-related disorder. Also called: GFM1-related condition.

Allele frequency attached by ClinVar (database versions not stated): gnomAD 0.00002; TOPMed 0.00002.
gnomAD v4.1: 4 of 1,612,636 alleles (0.00025%); highest among the groups gnomAD compares: African/African-American, 0.004%; no homozygotes.

Submission:

PreventionGenetics, part of Exact Sciences
Classification: Uncertain significance for GFM1-related condition. Last evaluated: 2022-11-15. Review status: criteria provided, single submitter. Criteria: ACMG Guidelines, 2015. Collection method: clinical testing. Allele origin: germline.
Comment: The GFM1 c.908G>A variant is predicted to result in the amino acid substitution p.Arg303Gln. To our knowledge, this variant has not been reported in the literature. This variant is reported in 0.0062% of alleles in individuals of African descent in gnomAD. At this time, the clinical significance of this variant is uncertain due to the absence of conclusive functional and genetic evidence.